The following is an entry in ClinVar:

NM_004655.4(AXIN2):c.1079A>G (p.Lys360Arg)

Gene: AXIN2 (axin 2; minus strand). Cytogenetic location: 17q24.1.
Variant type: single nucleotide variant.
Coding change: c.1079A>G on transcript NM_004655.4 (MANE Select); coding-DNA position 1079, A replaced by G.
Protein change: p.Lys360Arg; replaces lysine 360 with arginine.
Molecular consequence: missense variant.
Genome position (GRCh38, 1-based): chr17:65,538,324, T>C on the plus strand (A>G on the coding strand, the complement: AXIN2 is on the minus strand). VCF-style: chr17-65538324-T-C. GRCh37 (hg19) VCF-style: chr17-63534442-T-C.
Other names: c.1079A>G (LRG_296t1); c.1079A>G, p.Lys360Arg (NM_001363813.1); short protein forms K360R.
Identifiers: ClinVar variation 239974 (VCV000239974.25), dbSNP rs146249973, ClinGen allele CA8718864.

ClinVar aggregate classification (germline): Conflicting classifications of pathogenicity. Review status: criteria provided, conflicting classifications (1 of 4 stars). 8 submissions from 8 submitters: Uncertain significance (4); Likely benign (4). Last evaluated 2026-02-13.

Conditions:
Colorectal cancer. Also called: Colorectal cancer, somatic; Malignant Colorectal Neoplasm. Identifiers: MedGen C0346629, MONDO:0005575, OMIM 114500.
Oligodontia-cancer predisposition syndrome. Also called: TOOTH AGENESIS-COLORECTAL CANCER SYNDROME. Identifiers: Orphanet 300576, MedGen C1837750, MONDO:0012075, OMIM 608615. Disease mechanism: loss of function.
AXIN2-related disorder.
Hereditary cancer-predisposing syndrome. Also called: Neoplastic Syndromes, Hereditary; Hereditary neoplastic syndrome; Hereditary Cancer Syndrome; Tumor predisposition. Identifiers: Orphanet 140162, MedGen C0027672, MeSH D009386, MONDO:0015356.

Allele frequency attached by ClinVar (database versions not stated): TOPMed 0.00017; 1000 Genomes Project 0.00020; gnomAD exomes 0.00003 and 0.00008; ESP Exome Variant Server 0.00008; ExAC 0.00009; gnomAD 0.00011; 1000 Genomes Project 30x 0.00016.
gnomAD v4.1: 58 of 1,614,048 alleles (0.0036%); highest among the groups gnomAD compares: African/African-American, 0.044%; no homozygotes.

Submissions (8):

PreventionGenetics, part of Exact Sciences
Classification: Likely benign for AXIN2-related condition. Last evaluated: 2026-02-13. Review status: criteria provided, single submitter. Criteria: ACMG Guidelines, 2015. Collection method: clinical testing. Allele origin: germline.
Comment: This variant is classified as likely benign based on ACMG/AMP sequence variant interpretation guidelines (Richards et al. 2015 PMID: 25741868, with internal and published modifications).

Labcorp Genetics (formerly Invitae), Labcorp
Classification: Uncertain significance for Oligodontia-cancer predisposition syndrome. Last evaluated: 2026-01-26. Review status: criteria provided, single submitter. Criteria: Invitae Variant Classification Sherloc (09022015). Collection method: clinical testing. Allele origin: germline.
Comment: This sequence change replaces lysine, which is basic and polar, with arginine, which is basic and polar, at codon 360 of the AXIN2 protein (p.Lys360Arg). This variant is present in population databases (rs146249973, gnomAD 0.04%), and has an allele count higher than expected for a pathogenic variant. This variant has not been reported in the literature in individuals affected with AXIN2-related conditions. ClinVar contains an entry for this variant (Variation ID: 239974). Invitae Evidence Modeling of protein sequence and biophysical properties (such as structural, functional, and spatial information, amino acid conservation, physicochemical variation, residue mobility, and thermodynamic stability) indicates that this missense variant is not expected to disrupt AXIN2 protein function with a negative predictive value of 80%. RNA analysis performed to evaluate the impact of this missense change on mRNA splicing indicates it does not significantly alter splicing (internal data). In summary, the available evidence is currently insufficient to determine the role of this variant in disease. Therefore, it has been classified as a Variant of Uncertain Significance.

Fulgent Genetics
Classification: Uncertain significance for Colorectal cancer; Oligodontia-cancer predisposition syndrome. Last evaluated: 2024-04-16. Review status: criteria provided, single submitter. Criteria: ACMG Guidelines, 2015. Collection method: clinical testing. Allele origin: germline.

Blueprint Genetics
Classification: Likely benign. Last evaluated: 2023-12-18. Review status: criteria provided, single submitter. Criteria: ACMG Guidelines, 2015. Collection method: clinical testing. Allele origin: germline.

GeneDx
Classification: Uncertain significance. Last evaluated: 2023-12-14. Review status: criteria provided, single submitter. Criteria: GeneDx Variant Classification Process June 2021. Collection method: clinical testing. Allele origin: germline. Affected: yes.
Comment: In silico analysis supports that this missense variant does not alter protein structure/function; Has not been previously published as pathogenic or benign to our knowledge; This variant is associated with the following publications: (PMID: 15735151)

Ambry Genetics
Classification: Likely benign for Hereditary cancer-predisposing syndrome. Last evaluated: 2023-08-02. Review status: criteria provided, single submitter. Criteria: Ambry Variant Classification Scheme 2023. Collection method: clinical testing. Allele origin: germline.

Sema4
Classification: Likely benign for Hereditary cancer-predisposing syndrome. Last evaluated: 2021-03-26. Review status: criteria provided, single submitter. Criteria: Sema4 Curation Guidelines. Collection method: curation. Allele origin: germline.

Baylor Genetics
Classification: Uncertain significance for Oligodontia-cancer predisposition syndrome. Last evaluated: 2019-01-23. Review status: criteria provided, single submitter. Criteria: ACMG Guidelines, 2015. Collection method: clinical testing. Allele origin: maternal. Affected: yes. Study: CSER-TexasKidsCanSeq.
Comment: This variant was determined to be of uncertain significance according to ACMG Guidelines, 2015 [PMID:25741868].